The following is an entry in ClinVar:

NM_006648.4(WNK2):c.4788G>C (p.Glu1596Asp)

Gene: WNK2 (WNK lysine deficient protein kinase 2; plus strand). Cytogenetic location: 9q22.31.
Variant type: single nucleotide variant.
Coding change: c.4788G>C on transcript NM_006648.4 (MANE Select); coding-DNA position 4788, G replaced by C.
Protein change: p.Glu1596Asp; replaces glutamic acid 1596 with aspartic acid.
Molecular consequence: missense variant.
Genome position (GRCh38, 1-based): chr9:93,289,542, G>C. VCF-style: chr9-93289542-G-C. GRCh37 (hg19) VCF-style: chr9-96051824-G-C.
Other names: c.4899G>C, p.Glu1633Asp (NM_001282394.3); short protein forms E1596D, E1633D.
Identifiers: ClinVar variation 3470563 (VCV003470563.1).

ClinVar aggregate classification (germline): Uncertain significance (1 of 4 stars; one submission).

gnomAD v4.1: 10 of 1,574,182 alleles (0.00064%); highest among the groups gnomAD compares: Non-Finnish European, 0.00086%; no homozygotes.

Submission:

Ambry Genetics
Classification: Uncertain significance. Last evaluated: 2024-12-02. Review status: criteria provided, single submitter. Criteria: Ambry Variant Classification Scheme 2023. Collection method: clinical testing. Allele origin: germline.
Comment: The p.E1596D variant (also known as c.4788G>C), located in coding exon 19 of the WNK2 gene, results from a G to C substitution at nucleotide position 4788. The glutamic acid at codon 1596 is replaced by aspartic acid, an amino acid with highly similar properties. This amino acid position is conserved. In addition, this alteration is predicted to be tolerated by in silico analysis. Based on the available evidence, the clinical significance of this variant remains unclear.